The following is an entry in ClinVar:

ClinVar aggregate classification (germline): Uncertain significance (1 of 4 stars; one submission).

Submission:

Labcorp Genetics (formerly Invitae), Labcorp
Classification: Uncertain significance. Last evaluated: 2022-06-14. Review status: criteria provided, single submitter. Criteria: Invitae Variant Classification Sherloc (09022015). Collection method: clinical testing. Allele origin: germline.
Comment: This sequence change replaces isoleucine, which is neutral and non-polar, with valine, which is neutral and non-polar, at codon 1272 of the SAMD9L protein (p.Ile1272Val). This variant is not present in population databases (gnomAD no frequency). This variant has not been reported in the literature in individuals affected with SAMD9L-related conditions. Algorithms developed to predict the effect of missense changes on protein structure and function output the following: SIFT: "Not Available"; PolyPhen-2: "Benign"; Align-GVGD: "Not Available". The valine amino acid residue is found in multiple mammalian species, which suggests that this missense change does not adversely affect protein function. In summary, the available evidence is currently insufficient to determine the role of this variant in disease. Therefore, it has been classified as a Variant of Uncertain Significance.

NM_152703.5(SAMD9L):c.3814A>G (p.Ile1272Val)

Gene: SAMD9L (sterile alpha motif domain containing 9 like; minus strand). Cytogenetic location: 7q21.2.
Variant type: single nucleotide variant.
Coding change: c.3814A>G on transcript NM_152703.5 (MANE Select); coding-DNA position 3814, A replaced by G.
Protein change: p.Ile1272Val; replaces isoleucine 1272 with valine.
Molecular consequence: missense variant.
Genome position (GRCh38, 1-based): chr7:93,132,158, T>C on the plus strand (A>G on the coding strand, the complement: SAMD9L is on the minus strand). VCF-style: chr7-93132158-T-C. GRCh37 (hg19) VCF-style: chr7-92761471-T-C.
Other names: c.3814A>G, p.Ile1272Val (NM_001303496.3, NM_001303497.3, NM_001303498.3 and 5 more transcripts); short protein forms I1272V.
Identifiers: ClinVar variation 2006578 (VCV002006578.4), dbSNP rs2535409029, ClinGen allele CA368179864.
Genomic context (GRCh38, chr7:93,132,158, plus strand): 5'-ACATGATTTCTGCAATTTCTTTTTGGGTATACCTCATTTTCAGAAGAACCATATAATCAA[T>C]AAAAAAGTCAAAGCACCTTTTCAGATCTGATTGTAAATTTTTTAGGTGGGATGTGAACTT-3'
Protein context (NP_689916.2, residues 1262-1282): SDLKRCFDFF[Ile1272Val]DYMVLLKMRY